The following is an entry in ClinVar:

NM_130810.4(DNAAF4):c.1259C>G (p.Ser420Cys)

Genes: DNAAF4 (dynein axonemal assembly factor 4; minus strand), DNAAF4-CCPG1 (DNAAF4-CCPG1 readthrough (NMD candidate); minus strand). Cytogenetic location: 15q21.3.
Variant type: single nucleotide variant.
Coding change: c.1259C>G on transcript NM_130810.4 (MANE Select); coding-DNA position 1259, C replaced by G.
Protein change: p.Ser420Cys; replaces serine 420 with cysteine.
Molecular consequence: missense variant. On other transcripts: 3 prime UTR variant (1), intron variant (1).
Genome position (GRCh38, 1-based): chr15:55,430,674, G>C on the plus strand (C>G on the coding strand, the complement: DNAAF4 is on the minus strand). VCF-style: chr15-55430674-G-C. GRCh37 (hg19) VCF-style: chr15-55722872-G-C.
Other names: c.*22C>G (NM_001033559.3); c.1047+4231C>G (NM_001033560.2); short protein forms S420C.
Identifiers: ClinVar variation 262314 (VCV000262314.19), dbSNP rs77641439, ClinGen allele CA7574765.
Genomic context (GRCh38, chr15:55,430,674, plus strand): 5'-TGCCTCCAGTTGTTTTTAAAAAACTTATAACAATACTTAGTTACTTCTAATAGTCATTAA[G>C]ATTTTAGTTCTGTTCCTTGAATTACATTCCGAATCTTCTCAGCATCAATTTGTACAATTT-3'
Protein context (NP_570722.2, residues 410-420): RNVIQGTELK[Ser420Cys]

ClinVar aggregate classification (germline): Benign. Review status: criteria provided, multiple submitters, no conflicts (2 of 4 stars). 7 submissions from 7 submitters: Benign (7). Last evaluated 2026-02-04.

Allele frequency attached by ClinVar (database versions not stated): gnomAD 0.08293 and 0.08528; TOPMed 0.08436; ESP Exome Variant Server 0.08719; gnomAD exomes 0.09141 and 0.09800; ExAC 0.09192; 1000 Genomes Project 30x 0.09884; 1000 Genomes Project 0.10383.
gnomAD v4.1: 156,165 of 1,610,990 alleles (9.7%); highest among the groups gnomAD compares: East Asian, 20%; 8,196 homozygotes.

Submissions (7):

Labcorp Genetics (formerly Invitae), Labcorp
Classification: Benign. Last evaluated: 2026-02-04. Review status: criteria provided, single submitter. Criteria: Invitae Variant Classification Sherloc (09022015). Collection method: clinical testing. Allele origin: germline.

Blueprint Genetics
Classification: Benign. Last evaluated: 2024-11-27. Review status: criteria provided, single submitter. Criteria: ACMG Guidelines, 2015. Collection method: clinical testing. Allele origin: germline.

Mayo Clinic Laboratories, Mayo Clinic
Classification: Benign. Last evaluated: 2022-04-26. Review status: criteria provided, single submitter. Criteria: ACMG Guidelines, 2015. Collection method: clinical testing. Allele origin: germline. Observed: 32 variant alleles.

GeneDx
Classification: Benign. Last evaluated: 2018-11-12. Review status: criteria provided, single submitter. Criteria: GeneDx Variant Classification Process June 2021. Collection method: clinical testing. Allele origin: germline. Affected: yes.

Laboratory for Molecular Medicine, Mass General Brigham Personalized Medicine
Classification: Benign. Last evaluated: 2016-03-29. Review status: criteria provided, single submitter. Criteria: LMM Criteria. Collection method: clinical testing. Allele origin: germline.
Comment: Variant identified in a genome or exome case(s) and assessed due to predicted null impact of the variant or pathogenic assertions in the literature or databases. Disclaimer: This variant has not undergone full assessment. The following are preliminary notes: Frequency

Breakthrough Genomics
Classification: Benign. Review status: criteria provided, single submitter. Criteria: ACMG Guidelines, 2015. Collection method: not provided. Allele origin: germline. Inheritance: Autosomal recessive inheritance. Affected: yes.

PreventionGenetics, part of Exact Sciences
Classification: Benign. Review status: criteria provided, single submitter. Criteria: ACMG Guidelines, 2015. Collection method: clinical testing. Allele origin: germline.